The following is an entry in ClinVar:

NM_021096.4(CACNA1I):c.2394G>A (p.Val798=)

Gene: CACNA1I (calcium voltage-gated channel subunit alpha1 I; plus strand). Cytogenetic location: 22q13.1.
Variant type: single nucleotide variant.
Coding change: c.2394G>A on transcript NM_021096.4 (MANE Select); coding-DNA position 2394, G replaced by A.
Protein change: p.Val798=; no amino-acid change (valine 798 retained).
Molecular consequence: synonymous variant.
Genome position (GRCh38, 1-based): chr22:39,659,496, G>A. VCF-style: chr22-39659496-G-A. GRCh37 (hg19) VCF-style: chr22-40055501-G-A.
Other names: c.2289G>A, p.Val763= (NM_001003406.2); c.2394G>A (NM_021096.3).
Identifiers: ClinVar variation 2653156 (VCV002653156.25), dbSNP rs1366306002, ClinGen allele CA514610080.

ClinVar aggregate classification (germline): Likely benign. Review status: criteria provided, single submitter (1 of 4 stars). 2 submissions from 2 submitters: Likely benign (1). 1 of the submissions does not count toward it. Last evaluated 2022-07-01.

Conditions:
CACNA1I-related disorder. Also called: CACNA1I-related condition.

Allele frequency attached by ClinVar (database versions not stated): gnomAD exomes below 0.00001.
gnomAD v4.1: 5 of 1,590,288 alleles (0.00031%); highest among the groups gnomAD compares: African/African-American, 0.004%; no homozygotes.

Submissions (2):

CeGaT Center for Human Genetics Tuebingen
Classification: Likely benign. Last evaluated: 2022-07-01. Review status: criteria provided, single submitter. Criteria: CeGaT Center For Human Genetics Tuebingen Variant Classification Criteria Version 2. Collection method: clinical testing. Allele origin: germline. Affected: yes. Observed: 1 variant allele.
Comment: CACNA1I: BP4, BP7

PreventionGenetics, part of Exact Sciences
Classification: Likely benign for CACNA1I-related condition. Last evaluated: 2022-10-19. Review status: no assertion criteria provided. Collection method: clinical testing. Allele origin: germline. Not counted in ClinVar's aggregate classification.
Comment: This variant is classified as likely benign based on ACMG/AMP sequence variant interpretation guidelines (Richards et al. 2015 PMID: 25741868, with internal and published modifications).